The following is an entry in ClinVar:

NM_000153.4(GALC):c.264+2T>G

Gene: GALC (galactosylceramidase; minus strand). Cytogenetic location: 14q31.3.
Variant type: single nucleotide variant.
Coding change: c.264+2T>G on transcript NM_000153.4 (MANE Select); the canonical splice donor site of the intron after coding-DNA position 264, T replaced by G.
Molecular consequence: splice donor variant. On other transcripts: intron variant (1).
Genome position (GRCh38, 1-based): chr14:87,988,453, A>C on the plus strand (T>G on the coding strand, the complement: GALC is on the minus strand). VCF-style: chr14-87988453-A-C. GRCh37 (hg19) VCF-style: chr14-88454797-A-C.
Other names: c.-404+2T>G (NM_001424076.1, NM_001424077.1); c.186+2T>G (NM_001201402.2); c.196-246T>G (NM_001201401.2); c.-173+2T>G (NM_001424075.1); c.96+2T>G (NM_001424072.1, NM_001424073.1, NM_001424071.1); c.-85+2T>G (NM_001424074.1).
Identifiers: ClinVar variation 2671745 (VCV002671745.1), dbSNP rs1235473172, ClinGen allele CA390753306.
Genomic context (GRCh38, chr14:87,988,453, plus strand): 5'-GAAATTCACCATCCAATTTCTAAAATATCACAGGTACCATGAAATAATTATGTTTTCATT[A>C]CCTTAAAGAGATAATCCAATATCTGAGAACGATAGGGCTCTGGGTAATTTACTAGAAGTC-3'

ClinVar aggregate classification (germline): Likely pathogenic (1 of 4 stars; one submission).

Conditions:
Galactosylceramide beta-galactosidase deficiency. Also called: GALACTOCEREBROSIDASE DEFICIENCY; GALC DEFICIENCY; GLOBOID CELL LEUKOENCEPHALOPATHY; Leukodystrophy, Globoid Cell; Krabbe Disease. Identifiers: Orphanet 487, MedGen C0023521, MONDO:0009499, OMIM 245200.

Submission:

Neuberg Centre For Genomic Medicine, NCGM
Classification: Likely pathogenic for Galactosylceramide beta-galactosidase deficiency. Last evaluated: 2023-03-01. Review status: criteria provided, single submitter. Criteria: ACMG Guidelines, 2015. Collection method: clinical testing. Allele origin: germline. Inheritance: Autosomal recessive inheritance. Affected: yes.
Comment: The invariant splice donor c.264+2T>G in GALC gene has not been reported previously as a pathogenic variant nor as a benign variant, to our knowledge. The c.264+2T>G variant is novel (not in any individuals) in 1000 Genomes and gnomAD. This variant has not been reported to the ClinVar database. Loss of function variants have been previously reported to be disease causing. For these reasons, this variant has been classified as Likely Pathogenic.